The following is an entry in ClinVar:

NM_001378120.1(MBD5):c.2093T>C (p.Ile698Thr)

Gene: MBD5 (methyl-CpG binding domain protein 5; plus strand). Cytogenetic location: 2q23.1.
Variant type: single nucleotide variant.
Coding change: c.2093T>C on transcript NM_001378120.1 (MANE Select); coding-DNA position 2093, T replaced by C.
Protein change: p.Ile698Thr; replaces isoleucine 698 with threonine.
Molecular consequence: missense variant.
Genome position (GRCh38, 1-based): chr2:148,470,036, T>C. VCF-style: chr2-148470036-T-C. GRCh37 (hg19) VCF-style: chr2-149227605-T-C.
Other names: c.2093T>C, p.Ile698Thr (NM_018328.5); short protein forms I698T.
Identifiers: ClinVar variation 2282570 (VCV002282570.3), dbSNP rs1395728472, ClinGen allele CA348721098.
Genomic context (GRCh38, chr2:148,470,036, plus strand): 5'-CTGCAGTTCCTAAACCTGGACCTGACTTGCTAAGGAAGCAGGGTCAGGGTTCATTTCCCA[T>C]CAGTTCAATGTCTCAGTTACTACAGTCTATGAGTTGTCAAAGCTCTCACTTGAGTAGCAA-3'
Protein context (NP_001365049.1, residues 688-708): LRKQGQGSFP[Ile698Thr]SSMSQLLQSM

ClinVar aggregate classification (germline): Uncertain significance. Review status: criteria provided, multiple submitters, no conflicts (2 of 4 stars). 2 submissions from 2 submitters: Uncertain significance (2). Last evaluated 2025-07-23.

Conditions:
Intellectual developmental disorder, autosomal dominant 1. Also called: Intellectual disability, autosomal dominant 1; MBD5 Haploinsufficiency. Identifiers: Orphanet 228402, MedGen C1969562, MONDO:0007974, OMIM 156200.
Inborn genetic diseases. Identifiers: MedGen C0950123, MeSH D030342.

Allele frequency attached by ClinVar (database versions not stated): gnomAD 0.00001; TOPMed 0.00001; gnomAD exomes 0.00002.
gnomAD v4.1: 27 of 1,613,722 alleles (0.0017%); highest among the groups gnomAD compares: Non-Finnish European, 0.0023%; no homozygotes.

Submissions (2):

Labcorp Genetics (formerly Invitae), Labcorp
Classification: Uncertain significance for Intellectual developmental disorder, autosomal dominant 1. Last evaluated: 2025-07-23. Review status: criteria provided, single submitter. Criteria: Invitae Variant Classification Sherloc (09022015). Collection method: clinical testing. Allele origin: germline.
Comment: This sequence change replaces isoleucine, which is neutral and non-polar, with threonine, which is neutral and polar, at codon 698 of the MBD5 protein (p.Ile698Thr). This variant is present in population databases (no rsID available, gnomAD 0.0009%). This variant has not been reported in the literature in individuals affected with MBD5-related conditions. ClinVar contains an entry for this variant (Variation ID: 2282570). Invitae Evidence Modeling of protein sequence and biophysical properties (such as structural, functional, and spatial information, amino acid conservation, physicochemical variation, residue mobility, and thermodynamic stability) indicates that this missense variant is not expected to disrupt MBD5 protein function with a negative predictive value of 80%. In summary, the available evidence is currently insufficient to determine the role of this variant in disease. Therefore, it has been classified as a Variant of Uncertain Significance.

Ambry Genetics
Classification: Uncertain significance for Inborn genetic diseases. Last evaluated: 2022-04-08. Review status: criteria provided, single submitter. Criteria: Ambry Variant Classification Scheme 2023. Collection method: clinical testing. Allele origin: germline.